The following is an entry in ClinVar:

NM_000059.4(BRCA2):c.7478T>C (p.Met2493Thr)

Gene: BRCA2 (BRCA2 DNA repair associated; plus strand). Cytogenetic location: 13q13.1.
Variant type: single nucleotide variant.
Coding change: c.7478T>C on transcript NM_000059.4 (MANE Select); coding-DNA position 7478, T replaced by C.
Protein change: p.Met2493Thr; replaces methionine 2493 with threonine.
Molecular consequence: missense variant.
Genome position (GRCh38, 1-based): chr13:32,356,470, T>C. VCF-style: chr13-32356470-T-C. GRCh37 (hg19) VCF-style: chr13-32930607-T-C.
Other names: short protein forms M2493T.
Identifiers: ClinVar variation 216256 (VCV000216256.12), dbSNP rs863224597, ClinGen allele CA336705.

ClinVar aggregate classification (germline): Conflicting classifications of pathogenicity. Review status: criteria provided, conflicting classifications (1 of 4 stars). 2 submissions from 2 submitters: Uncertain significance (1); Likely benign (1). Last evaluated 2025-04-25.

Conditions:
Hereditary cancer-predisposing syndrome. Also called: Hereditary Cancer Syndrome; Hereditary neoplastic syndrome; Neoplastic Syndromes, Hereditary; Tumor predisposition. Identifiers: Orphanet 140162, MedGen C0027672, MeSH D009386, MONDO:0015356.
Hereditary breast ovarian cancer syndrome. Also called: Hereditary breast and/or ovarian cancer syndrome; Breast and ovarian cancer; BRCA1- and BRCA2-Associated Hereditary Breast and Ovarian Cancer; Hereditary breast and ovarian cancer syndrome; Hereditary breast and ovarian cancer syndrome (HBOC); Hereditary breast and ovarian cancer. Identifiers: Orphanet 145, MedGen C0677776, MeSH D061325, MONDO:0003582. Disease mechanism: loss of function.

gnomAD v4.1: 1 of 1,614,124 alleles (0.000062%); highest among the groups gnomAD compares: Non-Finnish European, 0.000085%; no homozygotes.

Submissions (2):

Ambry Genetics
Classification: Likely benign for Hereditary cancer-predisposing syndrome. Last evaluated: 2025-04-25. Review status: criteria provided, single submitter. Criteria: Ambry Variant Classification Scheme 2023. Collection method: clinical testing. Allele origin: germline.

Labcorp Genetics (formerly Invitae), Labcorp
Classification: Uncertain significance for Hereditary breast ovarian cancer syndrome. Last evaluated: 2022-03-08. Review status: criteria provided, single submitter. Criteria: Invitae Variant Classification Sherloc (09022015). Collection method: clinical testing. Allele origin: germline.
Comment: In summary, the available evidence is currently insufficient to determine the role of this variant in disease. Therefore, it has been classified as a Variant of Uncertain Significance. Advanced modeling of protein sequence and biophysical properties (such as structural, functional, and spatial information, amino acid conservation, physicochemical variation, residue mobility, and thermodynamic stability) performed at Invitae indicates that this missense variant is not expected to disrupt BRCA2 protein function. ClinVar contains an entry for this variant (Variation ID: 216256). This variant has not been reported in the literature in individuals affected with BRCA2-related conditions. This variant is not present in population databases (gnomAD no frequency). This sequence change replaces methionine, which is neutral and non-polar, with threonine, which is neutral and polar, at codon 2493 of the BRCA2 protein (p.Met2493Thr).